The following is an entry in ClinVar:

NM_004859.4(CLTC):c.1193T>G (p.Ile398Ser)

Gene: CLTC (clathrin heavy chain; plus strand). Cytogenetic location: 17q23.1.
Variant type: single nucleotide variant.
Coding change: c.1193T>G on transcript NM_004859.4 (MANE Select); coding-DNA position 1193, T replaced by G.
Protein change: p.Ile398Ser; replaces isoleucine 398 with serine.
Molecular consequence: missense variant.
Genome position (GRCh38, 1-based): chr17:59,661,468, T>G. VCF-style: chr17-59661468-T-G. GRCh37 (hg19) VCF-style: chr17-57738829-T-G.
Other names: c.1205T>G, p.Ile402Ser (NM_001288653.2); c.1193T>G (NM_004859.3); short protein forms I402S, I398S.
Identifiers: ClinVar variation 1974066 (VCV001974066.6), dbSNP rs2509378597, ClinGen allele CA400424287.

ClinVar aggregate classification (germline): Uncertain significance. Review status: criteria provided, multiple submitters, no conflicts (2 of 4 stars). 2 submissions from 2 submitters: Uncertain significance (2). Last evaluated 2025-08-12.

Conditions:
Inborn genetic diseases. Identifiers: MedGen C0950123, MeSH D030342.

Submissions (2):

Ambry Genetics
Classification: Uncertain significance for Inborn genetic diseases. Last evaluated: 2025-08-12. Review status: criteria provided, single submitter. Criteria: Ambry Variant Classification Scheme 2023. Collection method: clinical testing. Allele origin: germline.

Labcorp Genetics (formerly Invitae), Labcorp
Classification: Uncertain significance. Last evaluated: 2022-10-26. Review status: criteria provided, single submitter. Criteria: Invitae Variant Classification Sherloc (09022015). Collection method: clinical testing. Allele origin: germline.
Comment: This variant has not been reported in the literature in individuals affected with CLTC-related conditions. Advanced modeling of protein sequence and biophysical properties (such as structural, functional, and spatial information, amino acid conservation, physicochemical variation, residue mobility, and thermodynamic stability) performed at Invitae indicates that this missense variant is not expected to disrupt CLTC protein function. In summary, the available evidence is currently insufficient to determine the role of this variant in disease. Therefore, it has been classified as a Variant of Uncertain Significance. This variant is not present in population databases (gnomAD no frequency). This sequence change replaces isoleucine, which is neutral and non-polar, with serine, which is neutral and polar, at codon 402 of the CLTC protein (p.Ile402Ser).